The following is an entry in ClinVar:

NM_000101.4(CYBA):c.199C>T (p.Arg67Cys)

Gene: CYBA (cytochrome b-245 alpha chain; minus strand). Cytogenetic location: 16q24.2.
Variant type: single nucleotide variant.
Coding change: c.199C>T on transcript NM_000101.4 (MANE Select); coding-DNA position 199, C replaced by T.
Protein change: p.Arg67Cys; replaces arginine 67 with cysteine.
Molecular consequence: missense variant.
Genome position (GRCh38, 1-based): chr16:88,647,105, G>A on the plus strand (C>T on the coding strand, the complement: CYBA is on the minus strand). VCF-style: chr16-88647105-G-A. GRCh37 (hg19) VCF-style: chr16-88713513-G-A.
Other names: c.199C>T (NM_000101.2); short protein forms R67C.
Identifiers: ClinVar variation 645632 (VCV000645632.8), dbSNP rs765388584, ClinGen allele CA8228399.

ClinVar aggregate classification (germline): Uncertain significance. Review status: criteria provided, multiple submitters, no conflicts (2 of 4 stars). 3 submissions from 3 submitters: Uncertain significance (2). 1 of the submissions does not count toward it. Last evaluated 2025-04-28.

Conditions:
Inborn genetic diseases. Identifiers: MedGen C0950123, MeSH D030342.
Granulomatous disease, chronic, autosomal recessive, cytochrome b-negative. Also called: Chronic granulomatous disease, autosomal, due to deficiency of CYBA; CGD DUE TO DEFICIENCY OF THE ALPHA SUBUNIT OF CYTOCHROME b; CGD, AUTOSOMAL RECESSIVE CYTOCHROME b-NEGATIVE; CYBA DEFICIENCY; GRANULOMATOUS DISEASE, CHRONIC, AUTOSOMAL RECESSIVE, 4. Identifiers: Orphanet 379, MedGen C1856255, MONDO:0009308, OMIM 233690.
Chronic granulomatous disease. Identifiers: Orphanet 379, MedGen C0018203, MONDO:0018305.

Allele frequency attached by ClinVar (database versions not stated): gnomAD exomes 0.00001; ExAC 0.00002.
gnomAD v4.1: 15 of 1,610,602 alleles (0.00093%); highest among the groups gnomAD compares: Non-Finnish European, 0.0011%; no homozygotes.

Submissions (3):

Ambry Genetics
Classification: Uncertain significance for Inborn genetic diseases. Last evaluated: 2025-04-28. Review status: criteria provided, single submitter. Criteria: Ambry Variant Classification Scheme 2023. Collection method: clinical testing. Allele origin: germline.

Labcorp Genetics (formerly Invitae), Labcorp
Classification: Uncertain significance for Granulomatous disease, chronic, autosomal recessive, cytochrome b-negative. Last evaluated: 2022-05-19. Review status: criteria provided, single submitter. Criteria: Invitae Variant Classification Sherloc (09022015). Collection method: clinical testing. Allele origin: germline.
Comment: This sequence change replaces arginine, which is basic and polar, with cysteine, which is neutral and slightly polar, at codon 67 of the CYBA protein (p.Arg67Cys). The frequency data for this variant in the population databases is considered unreliable, as metrics indicate poor data quality at this position in the gnomAD database. This variant has not been reported in the literature in individuals affected with CYBA-related conditions. ClinVar contains an entry for this variant (Variation ID: 645632). Algorithms developed to predict the effect of missense changes on protein structure and function (SIFT, PolyPhen-2, Align-GVGD) all suggest that this variant is likely to be disruptive. In summary, the available evidence is currently insufficient to determine the role of this variant in disease. Therefore, it has been classified as a Variant of Uncertain Significance.

Natera, Inc.
Classification: Uncertain significance for Chronic granulomatous disease. Last evaluated: 2020-03-13. Review status: no assertion criteria provided. Collection method: clinical testing. Allele origin: germline. Not counted in ClinVar's aggregate classification.